The following is an entry in ClinVar:

ClinVar aggregate classification (germline): Conflicting classifications of pathogenicity. Review status: criteria provided, conflicting classifications (1 of 4 stars). 4 submissions from 4 submitters: Pathogenic (1); Likely pathogenic (1); Uncertain significance (2). Last evaluated 2025-03-06.

Conditions:
Early-infantile DEE. Also called: Early infantile epileptic encephalopathy; Early infantile epileptic encephalopathy with suppression bursts; Ohtahara syndrome. Identifiers: Orphanet 1934, MedGen C0393706, MONDO:0800491.
Developmental and epileptic encephalopathy, 13 (DEE13). Also called: SCN8A-Related Epilepsy; Developmental and Epileptic Encephalopathy (SCN8A-DEE); Early infantile epileptic encephalopathy 13. Identifiers: Orphanet 442835, MedGen C3281191, MONDO:0013801, OMIM 614558.

Submissions (4):

GeneDx
Classification: Pathogenic. Last evaluated: 2025-03-06. Review status: criteria provided, single submitter. Criteria: GeneDx Variant Classification Process June 2021. Collection method: clinical testing. Allele origin: germline. Affected: yes.
Comment: Published functional studies suggest a damaging effect (PMID: 38251463); In silico analysis supports that this missense variant has a deleterious effect on protein structure/function; Not observed at significant frequency in large population cohorts (gnomAD); This variant is associated with the following publications: (PMID: 26029160, 38251463)

Blueprint Genetics
Classification: Uncertain significance. Last evaluated: 2020-09-25. Review status: criteria provided, single submitter. Criteria: ACMG Guidelines, 2015. Collection method: clinical testing. Allele origin: germline.

Mendelics
Classification: Likely pathogenic for Developmental and epileptic encephalopathy, 13. Last evaluated: 2019-05-28. Review status: criteria provided, single submitter. Criteria: Mendelics Assertion Criteria 2017. Collection method: clinical testing. Allele origin: unknown.

Labcorp Genetics (formerly Invitae), Labcorp
Classification: Uncertain significance for Early-infantile DEE. Last evaluated: 2018-11-28. Review status: criteria provided, single submitter. Criteria: Invitae Variant Classification Sherloc (09022015). Collection method: clinical testing. Allele origin: germline.
Comment: In summary, the available evidence is currently insufficient to determine the role of this variant in disease. Therefore, it has been classified as a Variant of Uncertain Significance. Algorithms developed to predict the effect of missense changes on protein structure and function are either unavailable or do not agree on the potential impact of this missense change (SIFT: "Deleterious"; PolyPhen-2: "Possibly Damaging"; Align-GVGD: "Class C0"). This variant has not been reported in the literature in individuals with SCN8A-related conditions. This variant is not present in population databases (ExAC no frequency). This sequence change replaces lysine with glutamic acid at codon 1498 of the SCN8A protein (p.Lys1498Glu). The lysine residue is highly conserved and there is a small physicochemical difference between lysine and glutamic acid.

NM_001330260.2(SCN8A):c.4492A>G (p.Lys1498Glu)

Gene: SCN8A (sodium voltage-gated channel alpha subunit 8; plus strand). Cytogenetic location: 12q13.13.
Variant type: single nucleotide variant.
Coding change: c.4492A>G on transcript NM_001330260.2 (MANE Select); coding-DNA position 4492, A replaced by G.
Protein change: p.Lys1498Glu; replaces lysine 1498 with glutamic acid.
Molecular consequence: missense variant.
Genome position (GRCh38, 1-based): chr12:51,790,470, A>G. VCF-style: chr12-51790470-A-G. GRCh37 (hg19) VCF-style: chr12-52184254-A-G.
Other names: c.4369A>G, p.Lys1457Glu (NM_001177984.3, NM_001369788.1); c.4492A>G, p.Lys1498Glu (NM_014191.4); short protein forms K1457E, K1498E.
Identifiers: ClinVar variation 639018 (VCV000639018.14), dbSNP rs1555228931, ClinGen allele CA384909164.
Genomic context (GRCh38, chr12:51,790,470, plus strand): 5'-GACATCTTCATGACCGAAGAACAGAAGAAGTACTACAATGCCATGAAAAAGCTGGGCTCA[A>G]AGAAGCCACAGAAACCTATTCCCCGCCCCTTGGTAAGTGCATTGTGCAGGCTGAGGCCTT-3'
Protein context (NP_001317189.1, residues 1488-1508): YYNAMKKLGS[Lys1498Glu]KPQKPIPRPL